The following is an entry in ClinVar:

ClinVar aggregate classification (germline): Pathogenic/Likely pathogenic. Review status: criteria provided, multiple submitters, no conflicts (2 of 4 stars). 6 submissions from 6 submitters: Pathogenic (2); Likely pathogenic (2). 2 of the submissions do not count toward it. Last evaluated 2025-12-29.

Conditions:
Familial hypocalciuric hypercalcemia 1. Also called: Hypercalcemia, familial benign type 1. Identifiers: Orphanet 405, Orphanet 93372, MedGen C0342637, MONDO:0007791, OMIM 145980.
Autosomal dominant hypocalcemia 1 (HYPOC1). Also called: HYPOCALCEMIA, FAMILIAL. Identifiers: MedGen C3715128, MONDO:0011013, OMIM 601198.
Familial hypocalciuric hypercalcemia (FHH). Also called: Familial benign hypercalcemia. Identifiers: Orphanet 405, MedGen C1809471, MONDO:0018458.

Allele frequency attached by ClinVar (database versions not stated): gnomAD exomes below 0.00001.
gnomAD v4.1: 1 of 1,614,218 alleles (0.000062%); no homozygotes.

Submissions (6):

Center for Genomic Medicine, Rigshospitalet, Copenhagen University Hospital
Classification: Pathogenic. Last evaluated: 2025-12-29. Review status: criteria provided, single submitter. Criteria: ACMG Guidelines, 2015. Collection method: clinical testing. Allele origin: germline.

Labcorp Genetics (formerly Invitae), Labcorp
Classification: Pathogenic for Familial hypocalciuric hypercalcemia; Autosomal dominant hypocalcemia 1. Last evaluated: 2025-11-11. Review status: criteria provided, single submitter. Criteria: Invitae Variant Classification Sherloc (09022015). Collection method: clinical testing. Allele origin: germline.
Comment: This sequence change replaces arginine, which is basic and polar, with glutamine, which is neutral and polar, at codon 220 of the CASR protein (p.Arg220Gln). This variant is present in population databases (no rsID available, gnomAD 0.004%). This missense change has been observed in individuals with familial hypocalciuric hypercalcaemia (PMID: 9039332, 20495831, 32347971; internal data). Invitae Evidence Modeling of clinical and family history, age, sex, and reported ancestry of multiple individuals with this CASR variant has been performed. This variant is expected to be pathogenic with a positive predictive value of at least 99%. This is a validated machine learning model that incorporates the clinical features of 646,172 individuals referred to our laboratory for CASR testing. ClinVar contains an entry for this variant (Variation ID: 448997). An algorithm developed to predict the effect of missense changes on protein structure and function (PolyPhen-2) suggests that this variant is likely to be disruptive. This variant disrupts the p.Arg220 amino acid residue in CASR. Other variant(s) that disrupt this residue have been determined to be pathogenic (PMID: 10885494, 11889203, 22142470). This suggests that this residue is clinically significant, and that variants that disrupt this residue are likely to be disease-causing. For these reasons, this variant has been classified as Pathogenic.

Equipe Genetique des Anomalies du Developpement, Université de Bourgogne
Classification: Likely pathogenic for Autosomal dominant hypocalcemia 1. Last evaluated: 2024-01-30. Review status: criteria provided, single submitter. Criteria: ACMG Guidelines, 2015. Collection method: clinical testing. Allele origin: de novo. Affected: yes.

GeneDx
Classification: Likely pathogenic. Last evaluated: 2017-09-18. Review status: criteria provided, single submitter. Criteria: GeneDx Variant Classification (06012015). Collection method: clinical testing. Allele origin: germline. Affected: yes.
Comment: The R220Q variant in the CASR gene has previously been reported in at least one individual with familial hypocalciuric hypercalcemia (Pearce et al., 1996). This variant is not observed in large population cohorts (Lek et al., 2016; 1000 Genomes Consortium et al., 2015; Exome Variant Server). The R220Q variant is a semi-conservative amino acid substitution, which may impact secondary protein structure as these residues differ in some properties. Arginine 220 is highly conserved across species at this position within the extracellular domain and functional studies have suggested that it is important for ligand-receptor interactions (D'Souza-Li et al., 2002). In silico analysis is inconsistent in its predictions as to whether or not the variant is damaging to the protein tructure/function. Alternate missense variants in the same residue (R220W, R220P) have been reported in association with familial hypocalciuric hypercalcemia, supporting the functional importance of this region of the protein (D'Souza-Li et al., 2002; Hannan et al., 2012). Based on currently available evidence, R220Q is a strong candidate for a pathogenic variant. However, the possibility it may be a rare benign variant cannot be excluded.

Cardiovascular Genetics Laboratory, PathWest Laboratory Medicine WA - Fiona Stanley Hospital
Classification: Likely pathogenic for Familial hypocalciuric hypercalcemia 1. Last evaluated: 2025-08-20. Review status: no assertion criteria provided. Criteria: ACMG Guidelines, 2015. Collection method: clinical testing. Allele origin: germline. Affected: yes. Not counted in ClinVar's aggregate classification.

Molecular Genetics Laboratory, Biobizkaia Health Research Institute
Classification: Pathogenic for Familial hypocalciuric hypercalcemia 1. Last evaluated: 2024-03-08. Review status: no assertion criteria provided. Collection method: clinical testing. Allele origin: maternal. Affected: yes. Not counted in ClinVar's aggregate classification.

Literature cited by the submitters: PubMed 35301736 (cited by Center for Genomic Medicine, Rigshospitalet, Copenhagen University Hospital); PubMed 32347971 (cited by Center for Genomic Medicine, Rigshospitalet, Copenhagen University Hospital and Labcorp Genetics (formerly Invitae), Labcorp); PubMed 38586466 (cited by Center for Genomic Medicine, Rigshospitalet, Copenhagen University Hospital); PubMed 9039332 (cited by Labcorp Genetics (formerly Invitae), Labcorp); PubMed 20495831 (cited by Labcorp Genetics (formerly Invitae), Labcorp); PubMed 10885494 (cited by Labcorp Genetics (formerly Invitae), Labcorp); PubMed 11889203 (cited by Labcorp Genetics (formerly Invitae), Labcorp); PubMed 22142470 (cited by Labcorp Genetics (formerly Invitae), Labcorp).

NM_000388.4(CASR):c.659G>A (p.Arg220Gln)

Gene: CASR (calcium sensing receptor; plus strand). Cytogenetic location: 3q21.1.
Variant type: single nucleotide variant.
Coding change: c.659G>A on transcript NM_000388.4 (MANE Select); coding-DNA position 659, G replaced by A.
Protein change: p.Arg220Gln; replaces arginine 220 with glutamine.
Molecular consequence: missense variant.
Genome position (GRCh38, 1-based): chr3:122,261,694, G>A. VCF-style: chr3-122261694-G-A. GRCh37 (hg19) VCF-style: chr3-121980541-G-A.
Other names: c.659G>A, p.Arg220Gln (NM_001178065.2); short protein forms R220Q.
Identifiers: ClinVar variation 448997 (VCV000448997.16), dbSNP rs1202110240, ClinGen allele CA354151067.